The following is an entry in ClinVar:

ClinVar aggregate classification (germline): Uncertain significance (1 of 4 stars; one submission).

Conditions:
Usher syndrome type 3B. Also called: USHER SYNDROME, TYPE IIIB. Identifiers: MedGen C3281066, MONDO:0013788, OMIM 614504.

Submission:

Labcorp Genetics (formerly Invitae), Labcorp
Classification: Uncertain significance for Usher syndrome type 3B. Last evaluated: 2022-08-15. Review status: criteria provided, single submitter. Criteria: Invitae Variant Classification Sherloc (09022015). Collection method: clinical testing. Allele origin: germline.
Comment: This sequence change replaces glycine, which is neutral and non-polar, with arginine, which is basic and polar, at codon 268 of the HARS protein (p.Gly268Arg). This variant is not present in population databases (gnomAD no frequency). This variant has not been reported in the literature in individuals affected with HARS-related conditions. ClinVar contains an entry for this variant (Variation ID: 1680321). Algorithms developed to predict the effect of missense changes on protein structure and function are either unavailable or do not agree on the potential impact of this missense change (SIFT: "Deleterious"; PolyPhen-2: "Benign"; Align-GVGD: "Class C0"). In summary, the available evidence is currently insufficient to determine the role of this variant in disease. Therefore, it has been classified as a Variant of Uncertain Significance.

NM_002109.6(HARS1):c.802G>C (p.Gly268Arg)

Gene: HARS1 (histidyl-tRNA synthetase 1; minus strand). Cytogenetic location: 5q31.3.
Variant type: single nucleotide variant.
Coding change: c.802G>C on transcript NM_002109.6 (MANE Select); coding-DNA position 802, G replaced by C.
Protein change: p.Gly268Arg; replaces glycine 268 with arginine.
Molecular consequence: missense variant.
Genome position (GRCh38, 1-based): chr5:140,677,348, C>G on the plus strand (G>C on the coding strand, the complement: HARS1 is on the minus strand). VCF-style: chr5-140677348-C-G. GRCh37 (hg19) VCF-style: chr5-140056933-C-G.
Other names: c.682G>C, p.Gly228Arg (NM_001258040.3); c.742G>C, p.Gly248Arg (NM_001258041.3); c.622G>C, p.Gly208Arg (NM_001258042.3); c.580G>C, p.Gly194Arg (NM_001289092.2); c.460G>C, p.Gly154Arg (NM_001289093.2); c.715G>C, p.Gly239Arg (NM_001289094.2); short protein forms G154R, G194R, G208R, G228R, G239R, G248R, G268R.
Identifiers: ClinVar variation 1680321 (VCV001680321.8), dbSNP rs2149823964, ClinGen allele CA361253764.